The following is an entry in ClinVar:

ClinVar aggregate classification (germline): Uncertain significance (1 of 4 stars; one submission).

gnomAD v4.1: 1 of 1,614,228 alleles (0.000062%); highest among the groups gnomAD compares: Non-Finnish European, 0.000085%; no homozygotes.

Submission:

Women's Health and Genetics/Laboratory Corporation of America, LabCorp
Classification: Uncertain significance. Last evaluated: 2026-01-27. Review status: criteria provided, single submitter. Criteria: LabCorp Variant Classification Summary - May 2015. Collection method: clinical testing. Allele origin: germline.
Comment: Variant summary: SH3TC2 c.2890A>G (p.Lys964Glu) results in a conservative amino acid change in the encoded protein sequence. Algorithms developed to predict the effect of missense changes on protein structure and function are either unavailable or do not agree on the potential impact of this missense change. The variant was absent in 251488 control chromosomes. The available data on variant occurrences in the general population are insufficient to allow any conclusion about variant significance. To our knowledge, no occurrence of c.2890A>G in individuals affected with SH3TC2-related conditions and no experimental evidence demonstrating its impact on protein function have been reported. No submitters have cited clinical-significance assessments for this variant to ClinVar. Based on the evidence outlined above, the variant was classified as uncertain significance.

NM_024577.4(SH3TC2):c.2890A>G (p.Lys964Glu)

Gene: SH3TC2 (SH3 domain and tetratricopeptide repeats 2; minus strand). Cytogenetic location: 5q32.
Variant type: single nucleotide variant.
Coding change: c.2890A>G on transcript NM_024577.4 (MANE Select); coding-DNA position 2890, A replaced by G.
Protein change: p.Lys964Glu; replaces lysine 964 with glutamic acid.
Molecular consequence: missense variant.
Genome position (GRCh38, 1-based): chr5:149,026,735, T>C on the plus strand (A>G on the coding strand, the complement: SH3TC2 is on the minus strand). VCF-style: chr5-149026735-T-C. GRCh37 (hg19) VCF-style: chr5-148406298-T-C.
Other names: short protein forms K964E.
Identifiers: ClinVar variation 4689583 (VCV004689583.1).